The following is an entry in ClinVar:

NM_001270974.2(HYDIN):c.4888A>T (p.Lys1630Ter)

Gene: HYDIN (HYDIN axonemal central pair apparatus protein; minus strand). Cytogenetic location: 16q22.2.
Variant type: single nucleotide variant.
Coding change: c.4888A>T on transcript NM_001270974.2 (MANE Select); coding-DNA position 4888, A replaced by T.
Protein change: p.Lys1630Ter; replaces lysine 1630 with a stop codon.
Molecular consequence: nonsense.
Genome position (GRCh38, 1-based): chr16:70,974,555, T>A on the plus strand (A>T on the coding strand, the complement: HYDIN is on the minus strand). VCF-style: chr16-70974555-T-A. GRCh37 (hg19) VCF-style: chr16-71008458-T-A.
Other names: short protein forms K1630*.
Identifiers: ClinVar variation 3027483 (VCV003027483.1), dbSNP rs1277968524, ClinGen allele CA396627265.

ClinVar aggregate classification (germline): Pathogenic (1 of 4 stars; one submission).

Conditions:
Primary ciliary dyskinesia 5. Also called: CILIARY DYSKINESIA, PRIMARY, 5, WITHOUT SITUS INVERSUS. Identifiers: Orphanet 244, MedGen C1837615, MONDO:0012088, OMIM 608647.

Allele frequency attached by ClinVar (database versions not stated): TOPMed below 0.00001; gnomAD 0.00001; gnomAD exomes 0.00002.
gnomAD v4.1: 34 of 1,608,062 alleles (0.0021%); highest among the groups gnomAD compares: Non-Finnish European, 0.0024%; no homozygotes.

Submission:

Royal Brompton Clinical Genetics And Genomics Laboratory, NHS South East Genomic Laboratory Hub
Classification: Pathogenic for Primary ciliary dyskinesia 5. Last evaluated: 2024-03-06. Review status: criteria provided, single submitter. Criteria: RBHT-CGGL ClinVar Assertion Criteria. Collection method: clinical testing. Allele origin: germline. Affected: yes. Observed: 1 variant allele.